The following is an entry in ClinVar:

ClinVar aggregate classification (germline): Likely benign. Review status: criteria provided, multiple submitters, no conflicts (2 of 4 stars). 2 submissions from 2 submitters: Likely benign (2). Last evaluated 2025-01-19.

Conditions:
Familial cancer of breast. Also called: BREAST CANCER, FAMILIAL; Hereditary breast cancer; hereditary breast carcinoma. Identifiers: Orphanet 227535, MedGen C0346153, MONDO:0016419, OMIM 114480. Disease mechanism: loss of function.

gnomAD v4.1: 4 of 1,603,488 alleles (0.00025%); highest among the groups gnomAD compares: Non-Finnish European, 0.00026%; no homozygotes.

Submissions (2):

Labcorp Genetics (formerly Invitae), Labcorp
Classification: Likely benign for Familial cancer of breast. Last evaluated: 2025-01-19. Review status: criteria provided, single submitter. Criteria: Invitae Variant Classification Sherloc (09022015). Collection method: clinical testing. Allele origin: germline.

Myriad Genetics, Inc.
Classification: Likely benign for Familial cancer of breast. Last evaluated: 2025-01-16. Review status: criteria provided, single submitter. Criteria: Myriad Autosomal Dominant, Autosomal Recessive and X-Linked Classification Criteria (2023). Collection method: clinical testing. Allele origin: unknown.
Comment: This variant is considered likely benign. This variant is intronic and is not expected to impact mRNA splicing.

NM_024675.4(PALB2):c.2586+8G>C

Gene: PALB2 (partner and localizer of BRCA2; minus strand). Cytogenetic location: 16p12.2.
Variant type: single nucleotide variant.
Coding change: c.2586+8G>C on transcript NM_024675.4 (MANE Select); 8 bases into the intron after coding-DNA position 2586, G replaced by C.
Molecular consequence: intron variant.
Genome position (GRCh38, 1-based): chr16:23,629,196, C>G on the plus strand (G>C on the coding strand, the complement: PALB2 is on the minus strand). VCF-style: chr16-23629196-C-G. GRCh37 (hg19) VCF-style: chr16-23640517-C-G.
Identifiers: ClinVar variation 1117828 (VCV001117828.11), dbSNP rs1060504708, ClinGen allele CA2213420853.
Genomic context (GRCh38, chr16:23,629,196, plus strand): 5'-ATTCTTTTCAGTTCATTAAAGTTTTCATATGTAAGACACGAGACACTGGAAGAGAATATT[C>G]TTCTGACCTTTAACTCTGAAACCAATTGTAGGTTGCCTGGGTTTATGCTATCAGAAGCAG-3'